The following is an entry in ClinVar:

ClinVar aggregate classification (germline): Uncertain significance (1 of 4 stars; one submission).

Submission:

Dasa
Classification: Uncertain significance. Last evaluated: 2025-01-06. Review status: criteria provided, single submitter. Criteria: DASA Assertion Criteria. Collection method: clinical testing. Allele origin: germline.
Comment: NM_001148.6(ANK2):c.1967A>T (p.Asn656Ile) is a missense variant that results in the substitution of asparagine with isoleucine. This variant is absent from population databases. The currently available literature and clinical evidence are not sufficient to establish a definitive association between this variant and the reported condition. Therefore, this variant is classified as a variant of uncertain significance.

NM_001148.6(ANK2):c.1967A>T (p.Asn656Ile)

Gene: ANK2 (ankyrin 2; plus strand). Cytogenetic location: 4q26.
Variant type: single nucleotide variant.
Coding change: c.1967A>T on transcript NM_001148.6 (MANE Select); coding-DNA position 1967, A replaced by T.
Protein change: p.Asn656Ile; replaces asparagine 656 with isoleucine.
Molecular consequence: missense variant.
Genome position (GRCh38, 1-based): chr4:113,282,760, A>T. VCF-style: chr4-113282760-A-T. GRCh37 (hg19) VCF-style: chr4-114203916-A-T.
Other names: c.2012A>T, p.Asn671Ile (NM_001354240.2, NM_001354241.2, NM_001354242.2 and 5 more transcripts); c.1904A>T, p.Asn635Ile (NM_001354243.2, NM_001354244.2, NM_001354252.2 and 10 more transcripts); c.1868A>T, p.Asn623Ile (NM_001354245.2, NM_001354268.2); c.1967A>T, p.Asn656Ile (NM_001354246.2, NM_001354265.2, NM_020977.5 and 6 more transcripts); c.1880A>T, p.Asn627Ile (NM_001354249.2, NM_001354266.2, NM_001354267.2 and 10 more transcripts); c.1757A>T, p.Asn586Ile (NM_001354269.3); c.1805A>T, p.Asn602Ile (NM_001354270.2, NM_001386156.1, NM_001354253.2 and 1 more transcripts); c.1781A>T, p.Asn594Ile (NM_001354271.2, NM_001386151.1, NM_001354260.2); and 8 more; short protein forms N528I, N561I, N586I, N590I, N594I, N602I, N623I, N627I.
Identifiers: ClinVar variation 4886674 (VCV004886674.2).